The following is an entry in ClinVar:

NM_021625.5(TRPV4):c.670_671delinsCA (p.Arg224Gln)

Gene: TRPV4 (transient receptor potential cation channel subfamily V member 4; minus strand). Cytogenetic location: 12q24.11.
Variant type: Indel.
Coding change: c.670_671delinsCA on transcript NM_021625.5 (MANE Select); coding-DNA positions 670 to 671, AG replaced by CA.
Protein change: p.Arg224Gln; replaces arginine 224 with glutamine.
Molecular consequence: missense variant.
Genome position (GRCh38, 1-based): chr12:109,803,032-109,803,033, CT replaced by TG on the plus strand (AG replaced by CA on the coding strand, the reverse complement: TRPV4 is on the minus strand). VCF-style: chr12-109803032-CT-TG. GRCh37 (hg19) VCF-style: chr12-110240837-CT-TG.
Other names: c.670_671delAGinsCA, p.Arg224Gln (NM_001177428.2, NM_001177433.2, NM_147204.3); c.568_569delAGinsCA, p.Arg190Gln (NM_001177431.2); short protein forms R190Q, R224Q.
Identifiers: ClinVar variation 536852 (VCV000536852.7), dbSNP rs1555208643, ClinGen allele CA658797950.
Genomic context (GRCh38, chr12:109,803,032, plus strand): 5'-GCCCAGCCCGGGGCCCCACCTCGATAGTAGATGTCACGGAAGGGCGAGTTAATGAACTCC[CT>TG]CATGTTGCCGGTGCGCTCCGCGATGTCCAGCAGCACAGGGATGGTGTCGTTGCGGCCATT-3'
Protein context (NP_067638.3, residues 214-234): LDIAERTGNM[Arg224Gln]EFINSPFRDI

ClinVar aggregate classification (germline): Uncertain significance (1 of 4 stars; one submission).

Conditions:
Charcot-Marie-Tooth disease axonal type 2C (HMSN2C). Also called: CHARCOT-MARIE-TOOTH DISEASE, AXONAL, AUTOSOMAL DOMINANT, TYPE 2C; Charcot-Marie-Tooth Neuropathy Type 2C; Charcot-Marie-Tooth Disease Type 2, TRPV4-Related (CMT2C). Identifiers: Orphanet 99937, MedGen C1853710, MONDO:0011633, OMIM 606071.

Submission:

Labcorp Genetics (formerly Invitae), Labcorp
Classification: Uncertain significance for Charcot-Marie-Tooth disease axonal type 2C. Last evaluated: 2017-10-14. Review status: criteria provided, single submitter. Criteria: Invitae Variant Classification Sherloc (09022015). Collection method: clinical testing. Allele origin: germline.
Comment: This sequence change replaces arginine with glutamine at codon 224 of the TRPV4 protein (p.Arg224Gln). The arginine residue is moderately conserved and there is a moderate physicochemical difference between arginine and glutamine. This variant is not present in population databases (ExAC no frequency). This variant has not been reported in the literature in individuals with TRPV4-related disease. Algorithms developed to predict the effect of missense changes on protein structure and function do not agree on the potential impact of this missense change (SIFT: "Deleterious"; PolyPhen-2: "Benign"; Align-GVGD: "Class 0"). In summary, the available evidence is currently insufficient to determine the role of this variant in disease. Therefore, it has been classified as a Variant of Uncertain Significance.